The following is an entry in ClinVar:

NM_003001.5(SDHC):c.342C>T (p.His114=)

Gene: SDHC (succinate dehydrogenase complex subunit C; plus strand). Cytogenetic location: 1q23.3.
Variant type: single nucleotide variant.
Coding change: c.342C>T on transcript NM_003001.5 (MANE Select); coding-DNA position 342, C replaced by T.
Protein change: p.His114=; no amino-acid change (histidine 114 retained).
Molecular consequence: synonymous variant. On other transcripts: non-coding transcript variant (1), intron variant (3).
Genome position (GRCh38, 1-based): chr1:161,356,777, C>T. VCF-style: chr1-161356777-C-T. GRCh37 (hg19) VCF-style: chr1-161326567-C-T.
Other names: c.240C>T, p.His80= (NM_001035512.3); c.183C>T, p.His61= (NM_001035513.3); c.462C>T, p.His154= (NM_001407115.1); c.285C>T, p.His95= (NM_001407116.1); c.279C>T, p.His93= (NM_001407117.1); c.234C>T, p.His78= (NM_001407118.1); c.231C>T, p.His77= (NM_001407119.1, NM_001407120.1); c.242-5552C>T (NM_001035511.3); and 2 more.
Identifiers: ClinVar variation 414252 (VCV000414252.24), dbSNP rs143730978, ClinGen allele CA047111.

ClinVar aggregate classification (germline): Benign/Likely benign. Review status: criteria provided, multiple submitters, no conflicts (2 of 4 stars). 7 submissions from 7 submitters: Benign (2); Likely benign (4). 1 of the submissions does not count toward it. Last evaluated 2026-01-19.

Conditions:
Hereditary cancer-predisposing syndrome. Also called: Neoplastic Syndromes, Hereditary; Hereditary Cancer Syndrome; Hereditary neoplastic syndrome; Tumor predisposition. Identifiers: Orphanet 140162, MedGen C0027672, MeSH D009386, MONDO:0015356.
Gastrointestinal stromal tumor. Also called: Gastrointestinal stroma tumor; Gastrointestinal stromal tumor, somatic. Identifiers: Orphanet 44890, MedGen C0238198, MeSH D046152, MONDO:0011719, OMIM 606764, HP:0100723.
Pheochromocytoma/paraganglioma syndrome 3. Also called: GLOMUS TUMORS, FAMILIAL, 3; Paragangliomas 3; SDHC-Related Hereditary Paraganglioma-Pheochromocytoma Syndrome (Paragangliomas 3); SDHC-Related Hereditary Paraganglioma-Pheochromocytoma Syndrome. Identifiers: Orphanet 29072, MedGen C1854336, MONDO:0011544, OMIM 605373.
SDHC-related disorder. Also called: SDHC-related condition.
Hereditary pheochromocytoma and paraganglioma. Also called: Hereditary Paraganglioma-Pheochromocytoma Syndromes; Hereditary pheochromocytoma-paraganglioma; Hereditary paragangliomas and pheochromocytomas. Identifiers: Orphanet 29072, MedGen C4274332, MONDO:0017366.

Allele frequency attached by ClinVar (database versions not stated): gnomAD exomes 0.00001 and 0.00008; ExAC 0.00012; TOPMed 0.00012; gnomAD 0.00019; 1000 Genomes Project 0.00040; 1000 Genomes Project 30x 0.00062; ESP Exome Variant Server 0.00062.
gnomAD v4.1: 49 of 1,614,104 alleles (0.003%); highest among the groups gnomAD compares: African/African-American, 0.056%; no homozygotes.

Submissions (7):

Labcorp Genetics (formerly Invitae), Labcorp
Classification: Likely benign for Pheochromocytoma/paraganglioma syndrome 3; Gastrointestinal stromal tumor. Last evaluated: 2026-01-19. Review status: criteria provided, single submitter. Criteria: Invitae Variant Classification Sherloc (09022015). Collection method: clinical testing. Allele origin: germline.

Myriad Genetics, Inc.
Classification: Benign for Pheochromocytoma/paraganglioma syndrome 3. Last evaluated: 2025-03-14. Review status: criteria provided, single submitter. Criteria: Myriad Autosomal Dominant, Autosomal Recessive and X-Linked Classification Criteria (2023). Collection method: clinical testing. Allele origin: unknown.
Comment: This variant is considered benign. This variant is a silent/synonymous amino acid change and it is not expected to impact splicing.

Color Diagnostics, LLC DBA Color Health
Classification: Likely benign for Hereditary pheochromocytoma and paraganglioma. Last evaluated: 2023-12-06. Review status: criteria provided, single submitter. Criteria: ACMG Guidelines, 2015. Collection method: clinical testing. Allele origin: germline.

GeneDx
Classification: Likely benign. Last evaluated: 2021-09-07. Review status: criteria provided, single submitter. Criteria: GeneDx Variant Classification Process June 2021. Collection method: clinical testing. Allele origin: germline. Affected: yes.

Quest Diagnostics Nichols Institute San Juan Capistrano
Classification: Benign. Last evaluated: 2018-04-11. Review status: criteria provided, single submitter. Criteria: Quest Diagnostics criteria. Collection method: clinical testing. Allele origin: unknown.

Ambry Genetics
Classification: Likely benign for Hereditary cancer-predisposing syndrome. Last evaluated: 2017-06-23. Review status: criteria provided, single submitter. Criteria: Ambry Variant Classification Scheme 2023. Collection method: clinical testing. Allele origin: germline.

PreventionGenetics, part of Exact Sciences
Classification: Likely benign for SDHC-related condition. Last evaluated: 2023-05-04. Review status: no assertion criteria provided. Collection method: clinical testing. Allele origin: germline. Not counted in ClinVar's aggregate classification.
Comment: This variant is classified as likely benign based on ACMG/AMP sequence variant interpretation guidelines (Richards et al. 2015 PMID: 25741868, with internal and published modifications).